The following is an entry in ClinVar:

NM_001555.5(IGSF1):c.2301G>C (p.Pro767=)

Gene: IGSF1 (immunoglobulin superfamily member 1; minus strand). Cytogenetic location: Xq26.1.
Variant type: single nucleotide variant.
Coding change: c.2301G>C on transcript NM_001555.5 (MANE Select); coding-DNA position 2301, G replaced by C.
Protein change: p.Pro767=; no amino-acid change (proline 767 retained).
Molecular consequence: synonymous variant.
Genome position (GRCh38, 1-based): chrX:131,277,875, C>G on the plus strand (G>C on the coding strand, the complement: IGSF1 is on the minus strand). VCF-style: chrX-131277875-C-G. GRCh37 (hg19) VCF-style: chrX-130411849-C-G.
Other names: c.2316G>C, p.Pro772= (NM_001170961.2, NM_001438811.1, NM_001438814.1); c.2274G>C, p.Pro758= (NM_001170962.2); c.2301G>C, p.Pro767= (NM_001438812.1, NM_001438813.1, NM_001438815.1); c.2316G>C (NM_001170961.1).
Identifiers: ClinVar variation 4797986 (VCV004797986.2).

ClinVar aggregate classification (germline): Likely benign. Review status: criteria provided, multiple submitters, no conflicts (2 of 4 stars). 2 submissions from 2 submitters: Likely benign (2). Last evaluated 2026-07-23.

Conditions:
IGSF1-related disorder. Also called: IGSF1-related condition.

Submissions (2):

PreventionGenetics, part of Exact Sciences
Classification: Likely benign for IGSF1-related condition. Last evaluated: 2026-07-23. Review status: criteria provided, single submitter. Criteria: ACMG Guidelines, 2015. Collection method: clinical testing. Allele origin: germline.
Comment: This variant is classified as likely benign based on ACMG/AMP sequence variant interpretation guidelines (Richards et al. 2015 PMID: 25741868, with internal and published modifications).

Labcorp Genetics (formerly Invitae), Labcorp
Classification: Likely benign. Last evaluated: 2025-12-26. Review status: criteria provided, single submitter. Criteria: Invitae Variant Classification Sherloc (09022015). Collection method: clinical testing. Allele origin: germline.